The following is an entry in ClinVar:

ClinVar aggregate classification (germline): Likely benign (0 of 4 stars; one submission).

Conditions:
SMAD6-related disease. Also called: SMAD6-related disorder; SMAD6-related condition. Identifiers: MedGen CN381596, MONDO:0700324.

Submission:

PreventionGenetics, part of Exact Sciences
Classification: Likely benign for SMAD6-related condition. Last evaluated: 2024-09-13. Review status: no assertion criteria provided. Collection method: clinical testing. Allele origin: germline.
Comment: This variant is classified as likely benign based on ACMG/AMP sequence variant interpretation guidelines (Richards et al. 2015 PMID: 25741868, with internal and published modifications).

NM_005585.5(SMAD6):c.213A>C (p.Ala71=)

Gene: SMAD6 (SMAD family member 6; plus strand). Cytogenetic location: 15q22.31.
Variant type: single nucleotide variant.
Coding change: c.213A>C on transcript NM_005585.5 (MANE Select); coding-DNA position 213, A replaced by C.
Protein change: p.Ala71=; no amino-acid change (alanine 71 retained).
Molecular consequence: synonymous variant. On other transcripts: non-coding transcript variant (1).
Genome position (GRCh38, 1-based): chr15:66,703,471, A>C. VCF-style: chr15-66703471-A-C. GRCh37 (hg19) VCF-style: chr15-66995809-A-C.
Identifiers: ClinVar variation 3358498 (VCV003358498.1).